The following is an entry in ClinVar:

ClinVar aggregate classification (germline): Conflicting classifications of pathogenicity. Review status: criteria provided, conflicting classifications (1 of 4 stars). 6 submissions from 6 submitters: Uncertain significance (5); Likely benign (1). Last evaluated 2026-07-09.

Conditions:
OPA1-related disorder. Also called: OPA1-related condition; OPA1-related disorders.
Abortive cerebellar ataxia (BEHRS). Also called: Behr syndrome; OPTIC ATROPHY, INFANTILE HEREDITARY, WITH NEUROLOGIC ABNORMALITIES. Identifiers: Orphanet 1239, MedGen C0221061, MONDO:0008858, OMIM 210000.

Allele frequency attached by ClinVar (database versions not stated): gnomAD 0.00021 and 0.00022; TOPMed 0.00041; 1000 Genomes Project 30x 0.00078; 1000 Genomes Project 0.00080; gnomAD exomes 0.00001 and 0.00002; ExAC 0.00006.
gnomAD v4.1: 55 of 1,550,338 alleles (0.0035%); highest among the groups gnomAD compares: Admixed American, 0.07%; no homozygotes.

Submissions (6):

PreventionGenetics, part of Exact Sciences
Classification: Uncertain significance for OPA1-related condition. Last evaluated: 2026-07-09. Review status: criteria provided, single submitter. Criteria: ACMG Guidelines, 2015. Collection method: clinical testing. Allele origin: germline.
Comment: The OPA1 c.3027A>C variant is predicted to result in the amino acid substitution p.Glu1009Asp. To our knowledge, this variant has not been reported in the literature. This variant is also referred to as c.2862A>C (p.Glu954Asp) on alternate transcript NM_015560. This variant is reported in 0.0063% of alleles in individuals of Latino descent in gnomAD. At this time, the clinical significance of this variant is uncertain due to the absence of conclusive functional and genetic evidence.

Labcorp Genetics (formerly Invitae), Labcorp
Classification: Likely benign. Last evaluated: 2026-01-08. Review status: criteria provided, single submitter. Criteria: Invitae Variant Classification Sherloc (09022015). Collection method: clinical testing. Allele origin: germline.

GeneDx
Classification: Uncertain significance. Last evaluated: 2025-11-11. Review status: criteria provided, single submitter. Criteria: GeneDx Variant Classification Process June 2021. Collection method: clinical testing. Allele origin: germline. Affected: yes.
Comment: In silico analysis suggests that this missense variant does not alter protein structure/function; Has not been previously published as pathogenic or benign to our knowledge

Broad Center for Mendelian Genomics, Broad Institute of MIT and Harvard
Classification: Uncertain significance for Abortive cerebellar ataxia. Last evaluated: 2024-11-22. Review status: criteria provided, single submitter. Criteria: ACMG Guidelines, 2015. Collection method: curation. Allele origin: germline. Inheritance: Autosomal recessive inheritance. Study: GREGoR Consortium.
Comment: The phase of these variants are unknown at this time. The p.Glu1009Asp variant in OPA1 has not been previously reported in the literature in individuals with Behr syndrome, but has been identified in 0.07% (40/56818) of Latino/Admixed American chromosomes by the Genome Aggregation Database (gnomAD; dbSNP rs189036094). Although this variant has been seen in the general population in a heterozygous state, its frequency is not high enough to rule out a pathogenic role. This variant has been reported in ClinVar (Variation ID: 214895) and has been interpreted as a variant of uncertain significance by GeneDx and Eurofins Ntd Llc, and likely benign by Labcorp Genetics. Computational prediction tools and conservation analyses do not provide strong support for or against an impact to the protein. In summary, the clinical significance of the p.Glu1009Asp variant is uncertain. ACMG/AMP Criteria applied: N/A (Richards 2015).

Blueprint Genetics
Classification: Uncertain significance. Last evaluated: 2022-11-14. Review status: criteria provided, single submitter. Criteria: ACMG Guidelines, 2015. Collection method: clinical testing. Allele origin: germline.

Eurofins Ntd Llc (ga)
Classification: Uncertain significance. Last evaluated: 2016-10-27. Review status: criteria provided, single submitter. Criteria: EGL Classification Definitions 2015. Collection method: clinical testing. Allele origin: germline. Observed: 1 variant allele, 1 heterozygote.

NM_130837.3(OPA1):c.3027A>C (p.Glu1009Asp)

Gene: OPA1 (OPA1 mitochondrial dynamin like GTPase; plus strand). Cytogenetic location: 3q29.
Variant type: single nucleotide variant.
Coding change: c.3027A>C on transcript NM_130837.3 (MANE Select); coding-DNA position 3027, A replaced by C.
Protein change: p.Glu1009Asp; replaces glutamic acid 1009 with aspartic acid.
Molecular consequence: missense variant.
Genome position (GRCh38, 1-based): chr3:193,692,106, A>C. VCF-style: chr3-193692106-A-C. GRCh37 (hg19) VCF-style: chr3-193409895-A-C.
Other names: NM_130837.3(OPA1):c.3027A>C; p.Glu1009Asp; c.2493A>C, p.Glu831Asp (NM_001354663.2); c.2490A>C, p.Glu830Asp (NM_001354664.2); c.2862A>C, p.Glu954Asp (NM_015560.3); c.2754A>C, p.Glu918Asp (NM_130831.3); c.2808A>C, p.Glu936Asp (NM_130832.3); c.2865A>C, p.Glu955Asp (NM_130833.3); and 4 more; short protein forms E1009D, E954D, E831D, E973D, E918D, E936D, E972D, E991D.
Identifiers: ClinVar variation 214895 (VCV000214895.19), dbSNP rs189036094, ClinGen allele CA323501.